The following is an entry in ClinVar:

ClinVar aggregate classification (germline): Conflicting classifications of pathogenicity. Review status: criteria provided, conflicting classifications (1 of 4 stars). 7 submissions from 7 submitters: Pathogenic (1); Uncertain significance (4). 2 of the submissions do not count toward it. Last evaluated 2026-01-27.

Conditions:
Hereditary cancer-predisposing syndrome. Also called: Neoplastic Syndromes, Hereditary; Hereditary Cancer Syndrome; Hereditary neoplastic syndrome; Tumor predisposition. Identifiers: Orphanet 140162, MedGen C0027672, MeSH D009386, MONDO:0015356.
Familial cancer of breast. Also called: Hereditary breast cancer; hereditary breast carcinoma; BREAST CANCER, FAMILIAL. Identifiers: Orphanet 227535, MedGen C0346153, MONDO:0016419, OMIM 114480. Disease mechanism: loss of function.
Ataxia-telangiectasia syndrome (AT). Also called: Cerebello-oculocutaneous telangiectasia; Immunodeficiency with ataxia telangiectasia; Ataxia-telangiectasia, complementation group D; AT, COMPLEMENTATION GROUP C; ATAXIA-TELANGIECTASIA, FRESNO VARIANT; ATAXIA-TELANGIECTASIA, COMPLEMENTATION GROUP A. Identifiers: Orphanet 100, MedGen C0004135, MONDO:0008840, OMIM 208900.

Allele frequency attached by ClinVar (database versions not stated): gnomAD 0.00001; gnomAD exomes 0.00001; ExAC 0.00002; TOPMed 0.00003.
gnomAD v4.1: 4 of 1,613,510 alleles (0.00025%); highest among the groups gnomAD compares: East Asian, 0.0067%; no homozygotes.

Submissions (7):

Labcorp Genetics (formerly Invitae), Labcorp
Classification: Pathogenic for Ataxia-telangiectasia syndrome. Last evaluated: 2026-01-27. Review status: criteria provided, single submitter. Criteria: Invitae Variant Classification Sherloc (09022015). Collection method: clinical testing. Allele origin: germline.
Comment: This sequence change falls in intron 32 of the ATM gene. It does not directly change the encoded amino acid sequence of the ATM protein. RNA analysis indicates that this variant induces altered splicing and may result in an absent or altered protein product. This variant is present in population databases (rs587782125, gnomAD 0.01%). This variant has not been reported in the literature in individuals affected with ATM-related conditions. ClinVar contains an entry for this variant (Variation ID: 141940). Variants that disrupt the consensus splice site are a relatively common cause of aberrant splicing (PMID: 17576681, 9536098). Studies have shown that this variant results in activation of a cryptic splice site, and produces a non-functional protein and/or introduces a premature termination codon (internal data). For these reasons, this variant has been classified as Pathogenic.

Color Diagnostics, LLC DBA Color Health
Classification: Uncertain significance for Hereditary cancer-predisposing syndrome. Last evaluated: 2025-03-24. Review status: criteria provided, single submitter. Criteria: ACMG Guidelines, 2015. Collection method: clinical testing. Allele origin: germline.
Comment: This variant causes a C to T nucleotide substitution at the +4 position of intron 32/62 of the ATM gene. This variant has been reported to impact RNA splicing by an external laboratory, however, detailed data are not available for review (ClinVar SCV000546908.10). This variant has not been reported in individuals affected with ATM-related disorders in the literature. This variant has been identified in 3/282706 chromosomes in the general population by the Genome Aggregation Database (gnomAD). The available evidence is insufficient to determine the role of this variant in disease conclusively. Therefore, this variant is classified as a Variant of Uncertain Significance.

Ambry Genetics
Classification: Uncertain significance for Hereditary cancer-predisposing syndrome. Last evaluated: 2025-01-30. Review status: criteria provided, single submitter. Criteria: Ambry Variant Classification Scheme 2023. Collection method: clinical testing. Allele origin: germline.
Comment: The c.4909+4C>T intronic variant results from a C to T substitution 4 nucleotides after coding exon 31 in the ATM gene. This nucleotide position is well conserved in available vertebrate species. In silico splice site analysis for this alteration is inconclusive and direct evidence is insufficient at this time (Ambry internal data). Based on the available evidence, the clinical significance of this variant remains unclear.

Department of Pathology and Laboratory Medicine, Sinai Health System
Classification: Uncertain significance for Familial cancer of breast. Last evaluated: 2024-01-08. Review status: criteria provided, single submitter. Criteria: ACMG Guidelines, 2015. Collection method: clinical testing. Allele origin: germline. Affected: yes.

Baylor Genetics
Classification: Uncertain significance for Familial cancer of breast. Last evaluated: 2022-11-26. Review status: criteria provided, single submitter. Criteria: ACMG Guidelines, 2015. Collection method: clinical testing. Allele origin: unknown.

Natera, Inc.
Classification: Uncertain significance for Ataxia-telangiectasia. Last evaluated: 2020-04-17. Review status: no assertion criteria provided. Collection method: clinical testing. Allele origin: germline. Not counted in ClinVar's aggregate classification.

Counsyl
Classification: Uncertain significance for Ataxia-telangiectasia syndrome. Last evaluated: 2017-08-01. Review status: no assertion criteria provided. Collection method: clinical testing. Allele origin: unknown. Not counted in ClinVar's aggregate classification.

Literature cited by the submitters: PubMed 17576681 (cited by Labcorp Genetics (formerly Invitae), Labcorp); PubMed 9536098 (cited by Labcorp Genetics (formerly Invitae), Labcorp).

NM_000051.4(ATM):c.4909+4C>T

Gene: ATM (ATM serine/threonine kinase; plus strand). Cytogenetic location: 11q22.3.
Variant type: single nucleotide variant.
Coding change: c.4909+4C>T on transcript NM_000051.4 (MANE Select); 4 bases into the intron after coding-DNA position 4909, C replaced by T.
Molecular consequence: intron variant.
Genome position (GRCh38, 1-based): chr11:108,295,063, C>T. VCF-style: chr11-108295063-C-T. GRCh37 (hg19) VCF-style: chr11-108165790-C-T.
Other names: c.4909+4C>T (NM_001351834.2).
Identifiers: ClinVar variation 141940 (VCV000141940.21), dbSNP rs587782125, ClinGen allele CA166849.